The following is an entry in ClinVar:

ClinVar aggregate classification (germline): Uncertain significance. Review status: criteria provided, multiple submitters, no conflicts (2 of 4 stars). 2 submissions from 2 submitters: Uncertain significance (2). Last evaluated 2025-11-26.

Conditions:
Inborn genetic diseases. Identifiers: MedGen C0950123, MeSH D030342.

Allele frequency attached by ClinVar (database versions not stated): gnomAD exomes below 0.00001; TOPMed 0.00001.
gnomAD v4.1: 7 of 1,551,324 alleles (0.00045%); highest among the groups gnomAD compares: Middle Eastern, 0.017%; no homozygotes.

Submissions (2):

Ambry Genetics
Classification: Uncertain significance for Inborn genetic diseases. Last evaluated: 2025-11-26. Review status: criteria provided, single submitter. Criteria: Ambry Variant Classification Scheme 2023. Collection method: clinical testing. Allele origin: germline.

Labcorp Genetics (formerly Invitae), Labcorp
Classification: Uncertain significance. Last evaluated: 2023-07-17. Review status: criteria provided, single submitter. Criteria: Invitae Variant Classification Sherloc (09022015). Collection method: clinical testing. Allele origin: germline.
Comment: Algorithms developed to predict the effect of missense changes on protein structure and function output the following: SIFT: "Not Available"; PolyPhen-2: "Probably Damaging"; Align-GVGD: "Not Available". The arginine amino acid residue is found in multiple mammalian species, which suggests that this missense change does not adversely affect protein function. ClinVar contains an entry for this variant (Variation ID: 1929827). This variant has not been reported in the literature in individuals affected with EYS-related conditions. This variant is not present in population databases (gnomAD no frequency). In summary, the available evidence is currently insufficient to determine the role of this variant in disease. Therefore, it has been classified as a Variant of Uncertain Significance. This sequence change replaces tryptophan, which is neutral and slightly polar, with arginine, which is basic and polar, at codon 1587 of the EYS protein (p.Trp1587Arg).

NM_001142800.2(EYS):c.4759T>C (p.Trp1587Arg)

Gene: EYS (EGF-like photoreceptor maintenance factor; minus strand). Cytogenetic location: 6q12.
Variant type: single nucleotide variant.
Coding change: c.4759T>C on transcript NM_001142800.2 (MANE Select); coding-DNA position 4759, T replaced by C.
Protein change: p.Trp1587Arg; replaces tryptophan 1587 with arginine.
Molecular consequence: missense variant.
Genome position (GRCh38, 1-based): chr6:64,591,108, A>G on the plus strand (T>C on the coding strand, the complement: EYS is on the minus strand). VCF-style: chr6-64591108-A-G. GRCh37 (hg19) VCF-style: chr6-65301001-A-G.
Other names: c.4759T>C, p.Trp1587Arg (NM_001292009.2); c.4759T>C (NM_001142800.1); short protein forms W1587R.
Identifiers: ClinVar variation 1929827 (VCV001929827.6), dbSNP rs911640628, ClinGen allele CA140340932.